The following is an entry in ClinVar:

ClinVar aggregate classification (germline): Uncertain significance. Review status: criteria provided, multiple submitters, no conflicts (2 of 4 stars). 2 submissions from 2 submitters: Uncertain significance (2). Last evaluated 2022-05-17.

Conditions:
Sulfite oxidase deficiency due to molybdenum cofactor deficiency type C. Also called: Molybdenum cofactor deficiency, complementation group C; Molybdenum cofactor deficiency C. Identifiers: Orphanet 308400, Orphanet 833, MedGen C1854990, MONDO:0014212, OMIM 615501.

Submissions (2):

Labcorp Genetics (formerly Invitae), Labcorp
Classification: Uncertain significance for Sulfite oxidase deficiency due to molybdenum cofactor deficiency type C. Last evaluated: 2022-05-17. Review status: criteria provided, single submitter. Criteria: Invitae Variant Classification Sherloc (09022015). Collection method: clinical testing. Allele origin: germline.
Comment: This sequence change replaces glutamine, which is neutral and polar, with histidine, which is basic and polar, at codon 14 of the GPHN protein (p.Gln14His). This variant is not present in population databases (gnomAD no frequency). This variant has not been reported in the literature in individuals affected with GPHN-related conditions. Algorithms developed to predict the effect of missense changes on protein structure and function are either unavailable or do not agree on the potential impact of this missense change (SIFT: "Tolerated"; PolyPhen-2: "Possibly Damaging"; Align-GVGD: "Class C0"). In summary, the available evidence is currently insufficient to determine the role of this variant in disease. Therefore, it has been classified as a Variant of Uncertain Significance.

Revvity Omics, Revvity
Classification: Uncertain significance for Sulfite oxidase deficiency due to molybdenum cofactor deficiency type C. Last evaluated: 2019-09-27. Review status: criteria provided, single submitter. Criteria: ACMG Guidelines, 2015. Collection method: clinical testing. Allele origin: germline.

NM_020806.5(GPHN):c.42A>C (p.Gln14His)

Gene: GPHN (gephyrin; plus strand). Cytogenetic location: 14q23.3.
Variant type: single nucleotide variant.
Coding change: c.42A>C on transcript NM_020806.5 (MANE Select); coding-DNA position 42, A replaced by C.
Protein change: p.Gln14His; replaces glutamine 14 with histidine.
Molecular consequence: missense variant.
Genome position (GRCh38, 1-based): chr14:66,508,569, A>C. VCF-style: chr14-66508569-A-C. GRCh37 (hg19) VCF-style: chr14-66975287-A-C.
Other names: c.42A>C, p.Gln14His (NM_001024218.2, NM_001377514.1, NM_001377515.1 and 4 more transcripts); c.42A>C (NM_020806.4); short protein forms Q14H.
Identifiers: ClinVar variation 1995840 (VCV001995840.7), dbSNP rs750981506, ClinGen allele CA390255108.